The following is an entry in ClinVar:

ClinVar aggregate classification (germline): Uncertain significance. Review status: criteria provided, multiple submitters, no conflicts (2 of 4 stars). 3 submissions from 3 submitters: Uncertain significance (3). Last evaluated 2024-09-23.

Conditions:
Inborn genetic diseases. Identifiers: MedGen C0950123, MeSH D030342.

Allele frequency attached by ClinVar (database versions not stated): gnomAD 0.00002 and 0.00003; gnomAD exomes 0.00002 and 0.00008; TOPMed 0.00004; ExAC 0.00008; 1000 Genomes Project 30x 0.00016; 1000 Genomes Project 0.00020.
gnomAD v4.1: 39 of 1,614,106 alleles (0.0024%); highest among the groups gnomAD compares: East Asian, 0.027%; no homozygotes.

Submissions (3):

Blueprint Genetics
Classification: Uncertain significance. Last evaluated: 2024-09-23. Review status: criteria provided, single submitter. Criteria: ACMG Guidelines, 2015. Collection method: clinical testing. Allele origin: germline.

Labcorp Genetics (formerly Invitae), Labcorp
Classification: Uncertain significance. Last evaluated: 2022-10-03. Review status: criteria provided, single submitter. Criteria: Invitae Variant Classification Sherloc (09022015). Collection method: clinical testing. Allele origin: germline.
Comment: This sequence change replaces valine, which is neutral and non-polar, with methionine, which is neutral and non-polar, at codon 503 of the ARMC9 protein (p.Val503Met). The frequency data for this variant in the population databases is considered unreliable, as metrics indicate poor data quality at this position in the gnomAD database. This variant has not been reported in the literature in individuals affected with ARMC9-related conditions. ClinVar contains an entry for this variant (Variation ID: 1472839). Experimental studies and prediction algorithms are not available or were not evaluated, and the functional significance of this variant is currently unknown. In summary, the available evidence is currently insufficient to determine the role of this variant in disease. Therefore, it has been classified as a Variant of Uncertain Significance.

Ambry Genetics
Classification: Uncertain significance for Inborn genetic diseases. Last evaluated: 2021-07-06. Review status: criteria provided, single submitter. Criteria: Ambry Variant Classification Scheme 2023. Collection method: clinical testing. Allele origin: germline.

NM_001352754.2(ARMC9):c.1507G>A (p.Val503Met)

Gene: ARMC9 (armadillo repeat containing 9; plus strand). Cytogenetic location: 2q37.1.
Variant type: single nucleotide variant.
Coding change: c.1507G>A on transcript NM_001352754.2 (MANE Select); coding-DNA position 1507, G replaced by A.
Protein change: p.Val503Met; replaces valine 503 with methionine.
Molecular consequence: missense variant. On other transcripts: non-coding transcript variant (1).
Genome position (GRCh38, 1-based): chr2:231,278,414, G>A. VCF-style: chr2-231278414-G-A. GRCh37 (hg19) VCF-style: chr2-232143127-G-A.
Other names: c.1507G>A, p.Val503Met (NM_001271466.4, NM_001291656.2, NM_001352755.2 and 3 more transcripts); c.1408G>A, p.Val470Met (NM_001352757.2, NM_001352758.2); c.1507G>A (NM_025139.3); short protein forms V470M, V503M.
Identifiers: ClinVar variation 1472839 (VCV001472839.5), dbSNP rs542598901, ClinGen allele CA2160359.